The following is an entry in ClinVar:

ClinVar aggregate classification (germline): Uncertain significance (1 of 4 stars; one submission).

Conditions:
Cardiovascular phenotype. Identifiers: MedGen CN230736.

gnomAD v4.1: 2 of 1,549,982 alleles (0.00013%); highest among the groups gnomAD compares: African/African-American, 0.0014%; no homozygotes.

Submission:

Ambry Genetics
Classification: Uncertain significance for Cardiovascular phenotype. Last evaluated: 2026-04-20. Review status: criteria provided, single submitter. Criteria: Ambry Variant Classification Scheme 2023. Collection method: clinical testing. Allele origin: germline.
Comment: The p.P1399L variant (also known as c.4196C>T), located in coding exon 2 of the ZNF469 gene, results from a C to T substitution at nucleotide position 4196. The proline at codon 1399 is replaced by leucine, an amino acid with similar properties. This amino acid position is conserved. In addition, this alteration is predicted to be tolerated by in silico analysis. Based on the available evidence, the clinical significance of this variant remains unclear.

NM_001367624.2(ZNF469):c.4280C>T (p.Pro1427Leu)

Gene: ZNF469 (zinc finger protein 469; plus strand). Cytogenetic location: 16q24.2.
Variant type: single nucleotide variant.
Coding change: c.4280C>T on transcript NM_001367624.2 (MANE Select); coding-DNA position 4280, C replaced by T.
Protein change: p.Pro1427Leu; replaces proline 1427 with leucine.
Molecular consequence: missense variant.
Genome position (GRCh38, 1-based): chr16:88,431,750, C>T. VCF-style: chr16-88431750-C-T. GRCh37 (hg19) VCF-style: chr16-88498158-C-T.
Other names: NM_001127464.1:c.4196C>T; short protein forms P1427L.
Identifiers: ClinVar variation 4866955 (VCV004866955.1).
Genomic context (GRCh38, chr16:88,431,750, plus strand): 5'-CCCCGCCGGCCAGCAGCTCCTGCCTTTGCCAGGACGGCGAGGATGCCGGTTCCCTCGAGC[C>T]ACAGCTGCCAAGGAGCCCACCTGGCACCGCTGAGACGGAGCCAGGCAGGGCTGCATCGCC-3'
Protein context (NP_001354553.1, residues 1417-1437): QDGEDAGSLE[Pro1427Leu]QLPRSPPGTA